The following is an entry in ClinVar:

NM_001267550.2(TTN):c.37202-11T>G

Gene: TTN (titin; minus strand). Cytogenetic location: 2q31.2.
Variant type: single nucleotide variant.
Coding change: c.37202-11T>G on transcript NM_001267550.2 (MANE Select); 11 bases into the intron before coding-DNA position 37202, T replaced by G.
Molecular consequence: intron variant.
Genome position (GRCh38, 1-based): chr2:178,661,853, A>C on the plus strand (T>G on the coding strand, the complement: TTN is on the minus strand). VCF-style: chr2-178661853-A-C. GRCh37 (hg19) VCF-style: chr2-179526580-A-C.
Other names: c.13283-19536T>G (NM_003319.4); c.13859-19536T>G (NM_133437.4); c.13658-19536T>G (NM_133432.3); c.31573+1113T>G (NM_133378.4); c.34354+1113T>G (NM_001256850.1).
Identifiers: ClinVar variation 3897051 (VCV003897051.1).

ClinVar aggregate classification (germline): Uncertain significance (1 of 4 stars; one submission).

Submission:

Kariminejad - Najmabadi Pathology & Genetics Center
Classification: Uncertain significance. Last evaluated: 2024-01-09. Review status: criteria provided, single submitter. Criteria: ACMG Guidelines, 2015. Collection method: clinical testing. Allele origin: germline. Inheritance: Autosomal dominant inheritance. Affected: yes.
Comment: PM2